The following is an entry in ClinVar:

NM_003823.4(TNFRSF6B):c.634G>T (p.Glu212Ter)

Genes: TNFRSF6B (TNF receptor superfamily member 6b; plus strand), RTEL1-TNFRSF6B (RTEL1-TNFRSF6B readthrough (NMD candidate); plus strand). Cytogenetic location: 20q13.33.
Variant type: single nucleotide variant.
Coding change: c.634G>T on transcript NM_003823.4 (MANE Select); coding-DNA position 634, G replaced by T.
Protein change: p.Glu212Ter; replaces glutamic acid 212 with a stop codon.
Molecular consequence: nonsense. On other transcripts: non-coding transcript variant (1).
Genome position (GRCh38, 1-based): chr20:63,698,294, G>T. VCF-style: chr20-63698294-G-T. GRCh37 (hg19) VCF-style: chr20-62329647-G-T.
Other names: short protein forms E212*.
Identifiers: ClinVar variation 1413248 (VCV001413248.8), dbSNP rs764404347, ClinGen allele CA9966538.

ClinVar aggregate classification (germline): Uncertain significance (1 of 4 stars; one submission).

Allele frequency attached by ClinVar (database versions not stated): gnomAD 0.00002; ExAC 0.00002.
gnomAD v4.1: 8 of 1,610,786 alleles (0.0005%); highest among the groups gnomAD compares: Non-Finnish European, 0.00068%; no homozygotes.

Submission:

Labcorp Genetics (formerly Invitae), Labcorp
Classification: Uncertain significance. Last evaluated: 2024-08-12. Review status: criteria provided, single submitter. Criteria: Invitae Variant Classification Sherloc (09022015). Collection method: clinical testing. Allele origin: germline.
Comment: This sequence change creates a premature translational stop signal (p.Glu212*) in the TNFRSF6B gene. While this is not anticipated to result in nonsense mediated decay, it is expected to disrupt the last 89 amino acid(s) of the TNFRSF6B protein. The frequency data for this variant in the population databases is considered unreliable, as metrics indicate poor data quality at this position in the gnomAD database. This variant has not been reported in the literature in individuals affected with TNFRSF6B-related conditions. ClinVar contains an entry for this variant (Variation ID: 1413248). Experimental studies and prediction algorithms are not available or were not evaluated, and the functional significance of this variant is currently unknown. Algorithms developed to predict the effect of sequence changes on RNA splicing suggest that this variant may disrupt the consensus splice site. In summary, the available evidence is currently insufficient to determine the role of this variant in disease. Therefore, it has been classified as a Variant of Uncertain Significance.